The following is an entry in ClinVar:

ClinVar aggregate classification (germline): Uncertain significance. Review status: criteria provided, multiple submitters, no conflicts (2 of 4 stars). 6 submissions from 6 submitters: Uncertain significance (6). Last evaluated 2025-07-15.

Conditions:
Hereditary cancer-predisposing syndrome. Also called: Neoplastic Syndromes, Hereditary; Hereditary Cancer Syndrome; Tumor predisposition; Hereditary neoplastic syndrome. Identifiers: Orphanet 140162, MedGen C0027672, MeSH D009386, MONDO:0015356.
Multiple endocrine neoplasia, type 1 (MEN1). Also called: Endocrine adenomatosis multiple; MEN 1; MEA I; MEN I; WERMER SYNDROME. Identifiers: Orphanet 652, MedGen C0025267, MeSH D018761, MONDO:0007540, OMIM 131100.

gnomAD v4.1: 8 of 1,614,114 alleles (0.0005%); highest among the groups gnomAD compares: Non-Finnish European, 0.00068%; no homozygotes.

Submissions (6):

Labcorp Genetics (formerly Invitae), Labcorp
Classification: Uncertain significance for Multiple endocrine neoplasia, type 1. Last evaluated: 2025-07-15. Review status: criteria provided, single submitter. Criteria: Invitae Variant Classification Sherloc (09022015). Collection method: clinical testing. Allele origin: germline.
Comment: This sequence change replaces valine, which is neutral and non-polar, with leucine, which is neutral and non-polar, at codon 550 of the MEN1 protein (p.Val550Leu). This variant is present in population databases (rs562257963, gnomAD 0.002%). This missense change has been observed in individual(s) with multiple endocrine neoplasia type 1 (MEN1), some of whom also had a concomitant frameshift variant (PMID: 17623761, 22577108). This variant is also known as c.1663G>C (p.V555L). ClinVar contains an entry for this variant (Variation ID: 640403). Invitae Evidence Modeling of protein sequence and biophysical properties (such as structural, functional, and spatial information, amino acid conservation, physicochemical variation, residue mobility, and thermodynamic stability) has been performed for this missense variant. However, the output from this modeling did not meet the statistical confidence thresholds required to predict the impact of this variant on MEN1 protein function. In summary, the available evidence is currently insufficient to determine the role of this variant in disease. Therefore, it has been classified as a Variant of Uncertain Significance.

CeGaT Center for Human Genetics Tuebingen
Classification: Uncertain significance. Last evaluated: 2024-12-01. Review status: criteria provided, single submitter. Criteria: CeGaT Center For Human Genetics Tuebingen Variant Classification Criteria Version 2. Collection method: clinical testing. Allele origin: germline. Affected: yes. Observed: 1 variant allele.
Comment: MEN1: PP3, BP2

Ambry Genetics
Classification: Uncertain significance for Hereditary cancer-predisposing syndrome. Last evaluated: 2024-02-13. Review status: criteria provided, single submitter. Criteria: Ambry Variant Classification Scheme 2023. Collection method: clinical testing. Allele origin: germline.
Comment: The p.V550L variant (also known as c.1648G>C), located in coding exon 9 of the MEN1 gene, results from a G to C substitution at nucleotide position 1648. The valine at codon 550 is replaced by leucine, an amino acid with highly similar properties. This amino acid position is highly conserved in available vertebrate species. In addition, this alteration is predicted to be deleterious by in silico analysis. Based on the available evidence, the clinical significance of this alteration remains unclear.

Baylor Genetics
Classification: Uncertain significance for Multiple Endocrine Neoplasia Type 1. Last evaluated: 2023-11-23. Review status: criteria provided, single submitter. Criteria: ACMG Guidelines, 2015. Collection method: clinical testing. Allele origin: unknown.

GeneDx
Classification: Uncertain significance. Last evaluated: 2022-05-10. Review status: criteria provided, single submitter. Criteria: GeneDx Variant Classification Process June 2021. Collection method: clinical testing. Allele origin: germline. Affected: yes.
Comment: Co-observed, phase not indicated, with an unspecified MEN1 frameshift variant in an individual referred for MEN1 testing (Tham 2007); Not observed at significant frequency in large population cohorts (gnomAD); In silico analysis supports that this missense variant does not alter protein structure/function; Also known as c.1663G>C p.(V555L); This variant is associated with the following publications: (PMID: Ganakammal2020[article], 17623761, 22577108)

Institute for Clinical Genetics, University Hospital TU Dresden, University Hospital TU Dresden
Classification: Uncertain significance. Last evaluated: 2021-11-03. Review status: criteria provided, single submitter. Criteria: ACMG Guidelines, 2015. Collection method: clinical testing. Allele origin: germline.

Literature cited by the submitters: PubMed 17623761 (cited by Labcorp Genetics (formerly Invitae), Labcorp); PubMed 22577108 (cited by Labcorp Genetics (formerly Invitae), Labcorp).

NM_001370259.2(MEN1):c.1648G>C (p.Val550Leu)

Gene: MEN1 (menin 1; minus strand). Cytogenetic location: 11q13.1.
Variant type: single nucleotide variant.
Coding change: c.1648G>C on transcript NM_001370259.2 (MANE Select); coding-DNA position 1648, G replaced by C.
Protein change: p.Val550Leu; replaces valine 550 with leucine.
Molecular consequence: missense variant.
Genome position (GRCh38, 1-based): chr11:64,804,519, C>G on the plus strand (G>C on the coding strand, the complement: MEN1 is on the minus strand). VCF-style: chr11-64804519-C-G. GRCh37 (hg19) VCF-style: chr11-64571991-C-G.
Other names: c.1648G>C, p.Val550Leu (NM_001370260.2, NM_001370261.2, NM_130799.3); c.1543G>C, p.Val515Leu (NM_001370262.2, NM_001370263.2); c.1663G>C, p.Val555Leu (NM_130800.3, NM_130801.3, NM_130802.3 and 3 more transcripts); c.1774G>C, p.Val592Leu (NM_001370251.2); short protein forms V550L, V515L, V555L, V592L.
Identifiers: ClinVar variation 640403 (VCV000640403.31), dbSNP rs562257963, ClinGen allele CA060878.